The following is an entry in ClinVar:

ClinVar aggregate classification (germline): Uncertain significance. Review status: criteria provided, multiple submitters, no conflicts (2 of 4 stars). 3 submissions from 3 submitters: Uncertain significance (3). Last evaluated 2026-02-17.

Conditions:
Inborn genetic diseases. Identifiers: MedGen C0950123, MeSH D030342.
CHARGE syndrome (CHARGE). Also called: Coloboma, heart anomaly, choanal atresia, retardation, genital and ear anomalies; CHARGE association; Hall-Hittner syndrome; Hittner Hirsch Kreh syndrome; CHARGE ASSOCIATION--COLOBOMA, HEART ANOMALY, CHOANAL ATRESIA, RETARDATION, GENITAL AND EAR ANOMALIES. Identifiers: Orphanet 138, MedGen C0265354, MONDO:0008965.

Submissions (3):

Ambry Genetics
Classification: Uncertain significance for Inborn genetic diseases. Last evaluated: 2026-02-17. Review status: criteria provided, single submitter. Criteria: Ambry Variant Classification Scheme 2023. Collection method: clinical testing. Allele origin: germline.

Labcorp Genetics (formerly Invitae), Labcorp
Classification: Uncertain significance for CHARGE syndrome. Last evaluated: 2025-03-09. Review status: criteria provided, single submitter. Criteria: Invitae Variant Classification Sherloc (09022015). Collection method: clinical testing. Allele origin: germline.
Comment: This sequence change replaces glycine, which is neutral and non-polar, with aspartic acid, which is acidic and polar, at codon 482 of the CHD7 protein (p.Gly482Asp). This variant is not present in population databases (gnomAD no frequency). This variant has not been reported in the literature in individuals affected with CHD7-related conditions. ClinVar contains an entry for this variant (Variation ID: 1477441). Invitae Evidence Modeling of protein sequence and biophysical properties (such as structural, functional, and spatial information, amino acid conservation, physicochemical variation, residue mobility, and thermodynamic stability) indicates that this missense variant is not expected to disrupt CHD7 protein function with a negative predictive value of 95%. In summary, the available evidence is currently insufficient to determine the role of this variant in disease. Therefore, it has been classified as a Variant of Uncertain Significance.

CeGaT Center for Human Genetics Tuebingen
Classification: Uncertain significance. Last evaluated: 2025-01-01. Review status: criteria provided, single submitter. Criteria: CeGaT Center For Human Genetics Tuebingen Variant Classification Criteria Version 2. Collection method: clinical testing. Allele origin: germline. Affected: yes. Observed: 1 variant allele.
Comment: CHD7: PM2, BP1, BP5

NM_017780.4(CHD7):c.1445G>A (p.Gly482Asp)

Gene: CHD7 (chromodomain helicase DNA binding protein 7; plus strand). Cytogenetic location: 8q12.2.
Variant type: single nucleotide variant.
Coding change: c.1445G>A on transcript NM_017780.4 (MANE Select); coding-DNA position 1445, G replaced by A.
Protein change: p.Gly482Asp; replaces glycine 482 with aspartic acid.
Molecular consequence: missense variant.
Genome position (GRCh38, 1-based): chr8:60,742,877, G>A. VCF-style: chr8-60742877-G-A. GRCh37 (hg19) VCF-style: chr8-61655436-G-A.
Other names: c.1445G>A (NM_017780.3); c.1445G>A, p.Gly482Asp (NM_001316690.1); short protein forms G482D.
Identifiers: ClinVar variation 1477441 (VCV001477441.19), dbSNP rs911422083, ClinGen allele CA177313526.